The following is an entry in ClinVar:

NM_000254.3(MTR):c.*4065A>G

Gene: MTR (5-methyltetrahydrofolate-homocysteine methyltransferase; plus strand). Cytogenetic location: 1q43.
Variant type: single nucleotide variant.
Coding change: c.*4065A>G on transcript NM_000254.3 (MANE Select); 4065 bases downstream of the stop codon, A replaced by G.
Molecular consequence: 3 prime UTR variant.
Genome position (GRCh38, 1-based): chr1:236,901,709, A>G. VCF-style: chr1-236901709-A-G. GRCh37 (hg19) VCF-style: chr1-237065009-A-G.
Other names: c.*4065A>G (NM_001291939.1, NM_001291940.2).
Identifiers: ClinVar variation 296661 (VCV000296661.6), dbSNP rs6677090, ClinGen allele CA10609533.

ClinVar aggregate classification (germline): Benign. Review status: criteria provided, multiple submitters, no conflicts (2 of 4 stars). 2 submissions from 2 submitters: Benign (2). Last evaluated 2018-01-13.

Conditions:
Disorders of Intracellular Cobalamin Metabolism. Identifiers: MedGen CN043592.

Allele frequency attached by ClinVar (database versions not stated): gnomAD 0.06120 and 0.06242; TOPMed 0.07143; 1000 Genomes Project 0.10443; 1000 Genomes Project 30x 0.10696.
gnomAD v4.1: 9,280 of 152,262 alleles (6.1%); highest among the groups gnomAD compares: East Asian, 20%; 789 homozygotes.

Submissions (2):

Illumina Laboratory Services, Illumina
Classification: Benign for Disorders of Intracellular Cobalamin Metabolism. Last evaluated: 2018-01-13. Review status: criteria provided, single submitter. Criteria: ICSL Variant Classification Criteria 13 December 2019. Collection method: clinical testing. Allele origin: germline.
Comment: This variant was observed in the ICSL laboratory as part of a predisposition screen in an ostensibly healthy population. It had not been previously curated by ICSL or reported in the Human Gene Mutation Database (HGMD: prior to June 1st, 2018), and was therefore a candidate for classification through an automated scoring system. Utilizing variant allele frequency, disease prevalence and penetrance estimates, and inheritance mode, an automated score was calculated to assess if this variant is too frequent to cause the disease. Based on the score and internal cut-off values, a variant classified as benign is not then subjected to further curation. The score for this variant resulted in a classification of benign for this disease.

Breakthrough Genomics
Classification: Benign. Review status: criteria provided, single submitter. Criteria: ACMG Guidelines, 2015. Collection method: not provided. Allele origin: germline. Inheritance: Autosomal recessive inheritance. Affected: yes.